The following is an entry in ClinVar:

ClinVar aggregate classification (germline): Likely pathogenic (1 of 4 stars; one submission).

Submission:

GeneDx
Classification: Likely pathogenic. Last evaluated: 2025-01-05. Review status: criteria provided, single submitter. Criteria: GeneDx Variant Classification Process June 2021. Collection method: clinical testing. Allele origin: germline.
Comment: Not observed at significant frequency in large population cohorts (gnomAD); In silico analysis indicates that this missense variant does not alter protein structure/function; Has not been previously published as pathogenic or benign to our knowledge

NM_052876.4(NACC1):c.1226G>A (p.Arg409Gln)

Gene: NACC1 (nucleus accumbens associated 1; plus strand). Cytogenetic location: 19p13.13.
Variant type: single nucleotide variant.
Coding change: c.1226G>A on transcript NM_052876.4 (MANE Select); coding-DNA position 1226, G replaced by A.
Protein change: p.Arg409Gln; replaces arginine 409 with glutamine.
Molecular consequence: missense variant.
Genome position (GRCh38, 1-based): chr19:13,137,376, G>A. VCF-style: chr19-13137376-G-A. GRCh37 (hg19) VCF-style: chr19-13248190-G-A.
Other names: short protein forms R409Q.
Identifiers: ClinVar variation 1712897 (VCV001712897.4), dbSNP rs2513138089, ClinGen allele CA404329382.